The following is an entry in ClinVar:

ClinVar aggregate classification (germline): Uncertain significance (1 of 4 stars; one submission).

Conditions:
Inborn genetic diseases. Identifiers: MedGen C0950123, MeSH D030342.

Submission:

Ambry Genetics
Classification: Uncertain significance for Inborn genetic diseases. Last evaluated: 2025-02-08. Review status: criteria provided, single submitter. Criteria: Ambry Variant Classification Scheme 2023. Collection method: clinical testing. Allele origin: germline.
Comment: The p.E453A variant (also known as c.1358A>C), located in coding exon 12 of the KDM1A gene, results from an A to C substitution at nucleotide position 1358. The glutamic acid at codon 453 is replaced by alanine, an amino acid with dissimilar properties. This amino acid position is conserved. In addition, this alteration is predicted to be deleterious by in silico analysis. Based on the available evidence, the clinical significance of this variant remains unclear.

NM_001009999.3(KDM1A):c.1358A>C (p.Glu453Ala)

Gene: KDM1A (lysine demethylase 1A; plus strand). Cytogenetic location: 1p36.12.
Variant type: single nucleotide variant.
Coding change: c.1358A>C on transcript NM_001009999.3 (MANE Select); coding-DNA position 1358, A replaced by C.
Protein change: p.Glu453Ala; replaces glutamic acid 453 with alanine.
Molecular consequence: missense variant.
Genome position (GRCh38, 1-based): chr1:23,069,096, A>C. VCF-style: chr1-23069096-A-C. GRCh37 (hg19) VCF-style: chr1-23395589-A-C.
Other names: c.1286A>C, p.Glu429Ala (NM_001363654.2, NM_001410763.1, NM_015013.4); c.1346A>C, p.Glu449Ala (NM_001410762.1); short protein forms E429A, E453A, E449A.
Identifiers: ClinVar variation 3863317 (VCV003863317.1).